The following is an entry in ClinVar:

ClinVar aggregate classification (germline): Conflicting classifications of pathogenicity. Review status: criteria provided, conflicting classifications (1 of 4 stars). 7 submissions from 4 submitters: Uncertain significance (6); Likely benign (1). Last evaluated 2026-05-05.

Conditions:
Familial hypocalciuric hypercalcemia 1. Also called: Hypercalcemia, familial benign type 1. Identifiers: Orphanet 405, Orphanet 93372, MedGen C0342637, MONDO:0007791, OMIM 145980.
Neonatal severe primary hyperparathyroidism. Identifiers: Orphanet 417, MedGen C1832615, MONDO:0009397, OMIM 239200.
Autosomal dominant hypocalcemia 1 (HYPOC1). Also called: HYPOCALCEMIA, FAMILIAL. Identifiers: MedGen C3715128, MONDO:0011013, OMIM 601198.
Familial hypoparathyroidism. Also called: Familial isolated hypoparathyroidism. Identifiers: Orphanet 2238, MedGen C1832648, MONDO:0016390.

Allele frequency attached by ClinVar (database versions not stated): gnomAD 0.00001; ExAC 0.00002; gnomAD exomes 0.00001 and 0.00002; TOPMed 0.00002.
gnomAD v4.1: 16 of 1,612,226 alleles (0.00099%); highest among the groups gnomAD compares: East Asian, 0.0067%; no homozygotes.

Submissions (7):

Women's Health and Genetics/Laboratory Corporation of America, LabCorp
Classification: Uncertain significance. Last evaluated: 2026-05-05. Review status: criteria provided, single submitter. Criteria: LabCorp Variant Classification Summary - May 2015. Collection method: clinical testing. Allele origin: germline.
Comment: Variant summary: CASR c.-10C>T is located in the untranslated mRNA region upstream of the initiation codon. The variant allele was found at a frequency of 1.6e-05 in 251280 control chromosomes. The available data on variant occurrences in the general population are insufficient to allow any conclusion about variant significance. c.-10C>T has been observed in at least two individuals affected with familial hypocalciuric hypercalcemia, without strong evidence of causality (example: Flaris_2025). These reports do not provide unequivocal conclusions about association of the variant with Autosomal Dominant Hypocalcemia. To our knowledge, no experimental evidence demonstrating an impact on protein function has been reported. The following publication has been ascertained in the context of this evaluation (PMID: 39389817). ClinVar contains an entry for this variant (Variation ID: 431803). Based on the evidence outlined above, the variant was classified as uncertain significance.

Mayo Clinic Laboratories, Mayo Clinic
Classification: Uncertain significance. Last evaluated: 2025-09-19. Review status: criteria provided, single submitter. Criteria: ACMG Guidelines, 2015. Collection method: clinical testing. Allele origin: germline. Observed: 5 variant alleles.
Comment: BP4, BP7, PM2_supporting, PM3

Illumina Laboratory Services, Illumina
Classification: Likely benign for Familial isolated hypoparathyroidism. Last evaluated: 2018-01-13. Review status: criteria provided, single submitter. Criteria: ICSL Variant Classification Criteria 13 December 2019. Collection method: clinical testing. Allele origin: germline.
Comment: This variant was observed in the ICSL laboratory as part of a predisposition screen in an ostensibly healthy population. It had not been previously curated by ICSL or reported in the Human Gene Mutation Database (HGMD: prior to June 1st, 2018), and was therefore a candidate for classification through an automated scoring system. Utilizing variant allele frequency, disease prevalence and penetrance estimates, and inheritance mode, an automated score was calculated to assess if this variant is too frequent to cause the disease. Based on the score and internal cut-off values, a variant classified as likely benign is not then subjected to further curation. The score for this variant resulted in a classification of likely benign for this disease.

Illumina Laboratory Services, Illumina
Classification: Uncertain significance for Neonatal severe primary hyperparathyroidism. Last evaluated: 2018-01-13. Review status: criteria provided, single submitter. Criteria: ICSL Variant Classification Criteria 13 December 2019. Collection method: clinical testing. Allele origin: germline.

Illumina Laboratory Services, Illumina
Classification: Uncertain significance for Familial hypocalciuric hypercalcemia 1. Last evaluated: 2018-01-13. Review status: criteria provided, single submitter. Criteria: ICSL Variant Classification Criteria 13 December 2019. Collection method: clinical testing. Allele origin: germline.

Illumina Laboratory Services, Illumina
Classification: Uncertain significance for Autosomal dominant hypocalcemia 1. Last evaluated: 2018-01-13. Review status: criteria provided, single submitter. Criteria: ICSL Variant Classification Criteria 13 December 2019. Collection method: clinical testing. Allele origin: germline.

GeneDx
Classification: Uncertain significance. Last evaluated: 2017-06-29. Review status: criteria provided, single submitter. Criteria: GeneDx Variant Classification (06012015). Collection method: clinical testing. Allele origin: germline. Affected: yes.
Comment: The c.-10C>T variant in the CASR gene has previously been reported in at least one individual with familial benign hypocalciuric hypercalcaemia (Christine et al., 2007). This variant is not observed at a significant frequency in large population cohorts (Lek et al., 2016; 1000 Genomes Consortium et al., 2015; Exome Variant Server). However, this substitution occurs at a position that is not conserved. Based on currently available evidence, we consider c.-10C>T to be a variant of uncertain significance.

Literature cited by the submitters: PubMed 39389817 (cited by Women's Health and Genetics/Laboratory Corporation of America, LabCorp).

NM_000388.4(CASR):c.-10C>T

Gene: CASR (calcium sensing receptor; plus strand). Cytogenetic location: 3q21.1.
Variant type: single nucleotide variant.
Coding change: c.-10C>T on transcript NM_000388.4 (MANE Select); 10 bases upstream of the start codon, C replaced by T.
Molecular consequence: 5 prime UTR variant.
Genome position (GRCh38, 1-based): chr3:122,254,180, C>T. VCF-style: chr3-122254180-C-T. GRCh37 (hg19) VCF-style: chr3-121973027-C-T.
Other names: c.-10C>T (NM_001178065.2).
Identifiers: ClinVar variation 431803 (VCV000431803.9), dbSNP rs753659949, ClinGen allele CA2569400.